The following is an entry in ClinVar:

ClinVar aggregate classification (germline): Likely benign. Review status: criteria provided, single submitter (1 of 4 stars). 2 submissions from 2 submitters: Likely benign (1). 1 of the submissions does not count toward it. Last evaluated 2025-04-14.

Conditions:
Inborn genetic diseases. Identifiers: MedGen C0950123, MeSH D030342.
DDX41-related disorder. Also called: DDX41-related condition.

Submissions (2):

Ambry Genetics
Classification: Likely benign for Inborn genetic diseases. Last evaluated: 2025-04-14. Review status: criteria provided, single submitter. Criteria: Ambry Variant Classification Scheme 2023. Collection method: clinical testing. Allele origin: germline.

PreventionGenetics, part of Exact Sciences
Classification: Likely benign for DDX41-related condition. Last evaluated: 2021-10-20. Review status: no assertion criteria provided. Collection method: clinical testing. Allele origin: germline. Not counted in ClinVar's aggregate classification.
Comment: This variant is classified as likely benign based on ACMG/AMP sequence variant interpretation guidelines (Richards et al. 2015 PMID: 25741868, with internal and published modifications).

NM_016222.4(DDX41):c.1668G>A (p.Lys556=)

Gene: DDX41 (DEAD-box helicase 41; minus strand). Cytogenetic location: 5q35.3.
Variant type: single nucleotide variant.
Coding change: c.1668G>A on transcript NM_016222.4 (MANE Select); coding-DNA position 1668, G replaced by A.
Protein change: p.Lys556=; no amino-acid change (lysine 556 retained).
Molecular consequence: synonymous variant.
Genome position (GRCh38, 1-based): chr5:177,512,160, C>T on the plus strand (G>A on the coding strand, the complement: DDX41 is on the minus strand). VCF-style: chr5-177512160-C-T. GRCh37 (hg19) VCF-style: chr5-176939161-C-T.
Other names: c.1290G>A, p.Lys430= (NM_001321732.2, NM_001321830.2); c.1668G>A (NM_016222.2).
Identifiers: ClinVar variation 3057954 (VCV003057954.3), dbSNP rs969403252, ClinGen allele CA447968776.